The following is an entry in ClinVar:

NM_003672.4(CDC14A):c.1175G>T (p.Gly392Val)

Gene: CDC14A (cell division cycle 14A; plus strand). Cytogenetic location: 1p21.2.
Variant type: single nucleotide variant.
Coding change: c.1175G>T on transcript NM_003672.4 (MANE Select); coding-DNA position 1175, G replaced by T.
Protein change: p.Gly392Val; replaces glycine 392 with valine.
Molecular consequence: missense variant.
Genome position (GRCh38, 1-based): chr1:100,494,855, G>T. VCF-style: chr1-100494855-G-T. GRCh37 (hg19) VCF-style: chr1-100960411-G-T.
Other names: c.1175G>T, p.Gly392Val (NM_001319210.2, NM_033312.3); c.1001G>T, p.Gly334Val (NM_001319211.2); c.296G>T, p.Gly99Val (NM_001319212.2); short protein forms G334V, G392V, G99V.
Identifiers: ClinVar variation 5016983 (VCV005016983.1).

ClinVar aggregate classification (germline): Uncertain significance (1 of 4 stars; one submission).

gnomAD v4.1: 38 of 1,612,892 alleles (0.0024%); highest among the groups gnomAD compares: Non-Finnish European, 0.0032%; no homozygotes.

Submission:

GeneDx
Classification: Uncertain significance. Last evaluated: 2026-03-27. Review status: criteria provided, single submitter. Criteria: GeneDx Variant Classification Process June 2021. Collection method: clinical testing. Allele origin: germline.
Comment: Not observed at significant frequency in large population cohorts (gnomAD); In silico analysis supports that this missense variant has a deleterious effect on protein structure/function; Has not been previously published as pathogenic or benign to our knowledge